The following is an entry in ClinVar:

NM_002474.3(MYH11):c.1077C>T (p.Ile359=)

Gene: MYH11 (myosin heavy chain 11; minus strand). Cytogenetic location: 16p13.11.
Variant type: single nucleotide variant.
Coding change: c.1077C>T on transcript NM_002474.3 (MANE Select); coding-DNA position 1077, C replaced by T.
Protein change: p.Ile359=; no amino-acid change (isoleucine 359 retained).
Molecular consequence: synonymous variant.
Genome position (GRCh38, 1-based): chr16:15,763,848, G>A on the plus strand (C>T on the coding strand, the complement: MYH11 is on the minus strand). VCF-style: chr16-15763848-G-A. GRCh37 (hg19) VCF-style: chr16-15857705-G-A.
Other names: c.1098C>T, p.Ile366= (NM_001040113.2, NM_001040114.2); c.1077C>T, p.Ile359= (NM_022844.3).
Identifiers: ClinVar variation 925154 (VCV000925154.15), dbSNP rs763238555, ClinGen allele CA7922733.

ClinVar aggregate classification (germline): Likely benign. Review status: criteria provided, multiple submitters, no conflicts (2 of 4 stars). 6 submissions from 6 submitters: Likely benign (4). 2 of the submissions do not count toward it. Last evaluated 2025-08-14.

Conditions:
Familial thoracic aortic aneurysm and aortic dissection (TAAD). Also called: Thoracic aortic aneurysms and dissections. Identifiers: Orphanet 91387, MedGen C4707243, MONDO:0019625.
Aortic aneurysm, familial thoracic 4 (AAT4). Also called: AORTIC ANEURYSM/AORTIC DISSECTION AND PATENT DUCTUS ARTERIOSUS. Identifiers: MedGen C1851504, MONDO:0007568, OMIM 132900.

Allele frequency attached by ClinVar (database versions not stated): gnomAD exomes 0.00001 and 0.00002; ExAC 0.00002; TOPMed 0.00002.
gnomAD v4.1: 17 of 1,601,684 alleles (0.0011%); highest among the groups gnomAD compares: Middle Eastern, 0.017%; no homozygotes.

Submissions (6):

Labcorp Genetics (formerly Invitae), Labcorp
Classification: Likely benign for Aortic aneurysm, familial thoracic 4. Last evaluated: 2025-08-14. Review status: criteria provided, single submitter. Criteria: Invitae Variant Classification Sherloc (09022015). Collection method: clinical testing. Allele origin: germline.

All of Us Research Program, National Institutes of Health
Classification: Likely benign for Familial thoracic aortic aneurysm and aortic dissection. Last evaluated: 2024-02-05. Review status: criteria provided, single submitter. Criteria: ACMG Guidelines, 2015. Collection method: clinical testing. Allele origin: germline. Inheritance: Autosomal dominant inheritance. Observed: 2 variant alleles, 2 heterozygotes.
Comment: This study involves interpretation of variants in research participants for the purpose of population health screening. Participant phenotype was not available at the time of variant classification. Additional details can be found in publication PMID: 35346344, PMCID: PMC8962531

Ambry Genetics
Classification: Likely benign for Familial thoracic aortic aneurysm and aortic dissection. Last evaluated: 2021-07-15. Review status: criteria provided, single submitter. Criteria: Ambry Variant Classification Scheme 2023. Collection method: clinical testing. Allele origin: germline.

Color Diagnostics, LLC DBA Color Health
Classification: Likely benign for Familial thoracic aortic aneurysm and aortic dissection. Last evaluated: 2019-08-09. Review status: criteria provided, single submitter. Criteria: ACMG Guidelines, 2015. Collection method: clinical testing. Allele origin: germline.

Clinical Genetics DNA and cytogenetics Diagnostics Lab, Erasmus MC, Erasmus Medical Center
Classification: Likely benign. Review status: no assertion criteria provided. Collection method: clinical testing. Allele origin: germline. Affected: yes. Study: VKGL Data-share Consensus. Not counted in ClinVar's aggregate classification.

Genome Diagnostics Laboratory, University Medical Center Utrecht
Classification: Likely benign. Review status: no assertion criteria provided. Collection method: clinical testing. Allele origin: germline. Affected: yes. Study: VKGL Data-share Consensus. Not counted in ClinVar's aggregate classification.